The following is an entry in ClinVar:

NM_001130987.2(DYSF):c.2410-1G>A

Gene: DYSF (dysferlin; plus strand). Cytogenetic location: 2p13.2.
Variant type: single nucleotide variant.
Coding change: c.2410-1G>A on transcript NM_001130987.2 (MANE Select); the canonical splice acceptor site of the intron before coding-DNA position 2410, G replaced by A.
Molecular consequence: splice acceptor variant.
Genome position (GRCh38, 1-based): chr2:71,564,057, G>A. VCF-style: chr2-71564057-G-A. GRCh37 (hg19) VCF-style: chr2-71791187-G-A.
Other names: c.2449-1G>A (NM_001130979.2); c.2407-1G>A (NM_001130981.2, NM_001130980.2); c.2356-1G>A (NM_001130978.2, NM_003494.4); c.2314-1G>A (NM_001130977.2, NM_001130976.2); c.2452-1G>A (NM_001130982.2); c.2410-1G>A (NM_001130985.2); c.2359-1G>A (NM_001130983.2, NM_001130455.2); c.2317-1G>A (NM_001130984.2, NM_001130986.2).
Identifiers: ClinVar variation 4066979 (VCV004066979.2).

ClinVar aggregate classification (germline): Likely pathogenic (1 of 4 stars; one submission).

Conditions:
Autosomal recessive limb-girdle muscular dystrophy type 2B (LGMDR2). Also called: MUSCULAR DYSTROPHY, LIMB-GIRDLE, TYPE 3; Limb-girdle muscular dystrophy, type 2B; MUSCULAR DYSTROPHY, LIMB-GIRDLE, AUTOSOMAL RECESSIVE 2; Limb-Girdle Muscular Dystrophy Type 2B (LGMD2B). Identifiers: Orphanet 268, MedGen C1850889, MONDO:0009676, OMIM 253601.

gnomAD v4.1: 1 of 1,614,040 alleles (0.000062%); highest among the groups gnomAD compares: Non-Finnish European, 0.000085%; no homozygotes.

Submission:

Natera, Inc.
Classification: Likely pathogenic for Limb-girdle muscular dystrophy type 2B. Last evaluated: 2025-05-13. Review status: criteria provided, single submitter. Criteria: Natera Variant Classification Schema (03/2026). Collection method: clinical testing. Allele origin: germline.
Comment: The c.2356-1G>A variant in DYSF is a canonical splice acceptor site variant predicted to affect pre-mRNA splicing, which may result in an abnormal transcript and altered protein product. This variant is expected to result in nonsense mediated decay, truncation, or a dysfunctional protein product. This variant is rare in the general population with a frequency below the threshold expected for the associated phenotype(s). Given the available evidence, this variant is classified as Likely Pathogenic.